The following is an entry in ClinVar:

NM_000540.3(RYR1):c.5472G>C (p.Gln1824His)

Gene: RYR1 (ryanodine receptor 1; plus strand). Cytogenetic location: 19q13.2.
Variant type: single nucleotide variant.
Coding change: c.5472G>C on transcript NM_000540.3 (MANE Select); coding-DNA position 5472, G replaced by C.
Protein change: p.Gln1824His; replaces glutamine 1824 with histidine.
Molecular consequence: missense variant.
Genome position (GRCh38, 1-based): chr19:38,486,127, G>C. VCF-style: chr19-38486127-G-C. GRCh37 (hg19) VCF-style: chr19-38976767-G-C.
Other names: c.5472G>C, p.Gln1824His (NM_001042723.2); short protein forms Q1824H.
Identifiers: ClinVar variation 4706191 (VCV004706191.1).

ClinVar aggregate classification (germline): Uncertain significance (1 of 4 stars; one submission).

Conditions:
RYR1-related disorder. Also called: RYR1-related condition; RYR1-related disorders. Identifiers: MedGen CN239331.

gnomAD v4.1: 2 of 1,613,136 alleles (0.00012%); highest among the groups gnomAD compares: Non-Finnish European, 0.00017%; no homozygotes.

Submission:

Labcorp Genetics (formerly Invitae), Labcorp
Classification: Uncertain significance for RYR1-related disorder. Last evaluated: 2025-08-14. Review status: criteria provided, single submitter. Criteria: Invitae Variant Classification Sherloc (09022015). Collection method: clinical testing. Allele origin: germline.
Comment: This sequence change replaces glutamine, which is neutral and polar, with histidine, which is basic and polar, at codon 1824 of the RYR1 protein (p.Gln1824His). This variant is not present in population databases (gnomAD no frequency). This variant has not been reported in the literature in individuals affected with RYR1-related conditions. Invitae Evidence Modeling of protein sequence and biophysical properties (such as structural, functional, and spatial information, amino acid conservation, physicochemical variation, residue mobility, and thermodynamic stability) indicates that this missense variant is not expected to disrupt RYR1 protein function with a negative predictive value of 80%. In summary, the available evidence is currently insufficient to determine the role of this variant in disease. Therefore, it has been classified as a Variant of Uncertain Significance.